The following is an entry in ClinVar:

ClinVar aggregate classification (germline): Uncertain significance. Review status: criteria provided, multiple submitters, no conflicts (2 of 4 stars). 2 submissions from 2 submitters: Uncertain significance (2). Last evaluated 2025-11-06.

Conditions:
Inborn genetic diseases. Identifiers: MedGen C0950123, MeSH D030342.

gnomAD v4.1: 1 of 1,614,090 alleles (0.000062%); highest among the groups gnomAD compares: East Asian, 0.0022%; no homozygotes.

Submissions (2):

Ambry Genetics
Classification: Uncertain significance for Inborn genetic diseases. Last evaluated: 2025-11-06. Review status: criteria provided, single submitter. Criteria: Ambry Variant Classification Scheme 2023. Collection method: clinical testing. Allele origin: germline.

GeneDx
Classification: Uncertain significance. Last evaluated: 2023-05-22. Review status: criteria provided, single submitter. Criteria: GeneDx Variant Classification Process June 2021. Collection method: clinical testing. Allele origin: germline. Affected: yes.
Comment: Not observed at significant frequency in large population cohorts (gnomAD); In silico analysis supports that this missense variant does not alter protein structure/function; Has not been previously published as pathogenic or benign to our knowledge

NM_004369.4(COL6A3):c.1162G>C (p.Glu388Gln)

Gene: COL6A3 (collagen type VI alpha 3 chain; minus strand). Cytogenetic location: 2q37.3.
Variant type: single nucleotide variant.
Coding change: c.1162G>C on transcript NM_004369.4 (MANE Select); coding-DNA position 1162, G replaced by C.
Protein change: p.Glu388Gln; replaces glutamic acid 388 with glutamine.
Molecular consequence: missense variant. On other transcripts: intron variant (2).
Genome position (GRCh38, 1-based): chr2:237,387,732, C>G on the plus strand (G>C on the coding strand, the complement: COL6A3 is on the minus strand). VCF-style: chr2-237387732-C-G. GRCh37 (hg19) VCF-style: chr2-238296375-C-G.
Other names: c.544G>C, p.Glu182Gln (NM_057165.5, NM_057167.4); c.92-6233G>C (NM_057166.5, NM_057164.5); short protein forms E182Q, E388Q.
Identifiers: ClinVar variation 3343524 (VCV003343524.2).
Genomic context (GRCh38, chr2:237,387,732, plus strand): 5'-AGCTACGGAATTCCGGGACAGTAAACACCAAGTTGTCATCGGTAGCTATGTGCTGAAGCT[C>G]TGCCCTGGAGGCGGCCTGGGCTCCAAGGCCGAATGAGAACACGCTAGCCTGCTTCAGTGC-3'
Protein context (NP_004360.2, residues 378-398): GLGAQAASRA[Glu388Gln]LQHIATDDNL